The following is an entry in ClinVar:

ClinVar aggregate classification (germline): Uncertain significance. Review status: criteria provided, multiple submitters, no conflicts (2 of 4 stars). 2 submissions from 2 submitters: Uncertain significance (2). Last evaluated 2025-10-01.

Conditions:
Inborn genetic diseases. Identifiers: MedGen C0950123, MeSH D030342.
Combined oxidative phosphorylation defect type 27. Also called: Combined oxidative phosphorylation deficiency 27. Identifiers: Orphanet 477774, MedGen C5567608, MONDO:0014728, OMIM 616672.

Allele frequency attached by ClinVar (database versions not stated): gnomAD 0.00001 and 0.00003; ExAC 0.00002; gnomAD exomes 0.00002; TOPMed 0.00003; 1000 Genomes Project 0.00020; 1000 Genomes Project 30x 0.00047.
gnomAD v4.1: 19 of 1,613,418 alleles (0.0012%); highest among the groups gnomAD compares: South Asian, 0.0055%; no homozygotes.

Submissions (2):

Labcorp Genetics (formerly Invitae), Labcorp
Classification: Uncertain significance for Combined oxidative phosphorylation defect type 27. Last evaluated: 2025-10-01. Review status: criteria provided, single submitter. Criteria: Invitae Variant Classification Sherloc (09022015). Collection method: clinical testing. Allele origin: germline.
Comment: This sequence change replaces aspartic acid, which is acidic and polar, with asparagine, which is neutral and polar, at codon 338 of the CARS2 protein (p.Asp338Asn). This variant is present in population databases (rs577161897, gnomAD 0.006%). This variant has not been reported in the literature in individuals affected with CARS2-related conditions. ClinVar contains an entry for this variant (Variation ID: 1011249). Invitae Evidence Modeling of protein sequence and biophysical properties (such as structural, functional, and spatial information, amino acid conservation, physicochemical variation, residue mobility, and thermodynamic stability) indicates that this missense variant is not expected to disrupt CARS2 protein function with a negative predictive value of 80%. In summary, the available evidence is currently insufficient to determine the role of this variant in disease. Therefore, it has been classified as a Variant of Uncertain Significance.

Ambry Genetics
Classification: Uncertain significance for Inborn genetic diseases. Last evaluated: 2024-08-30. Review status: criteria provided, single submitter. Criteria: Ambry Variant Classification Scheme 2023. Collection method: clinical testing. Allele origin: germline.

NM_024537.4(CARS2):c.1012G>A (p.Asp338Asn)

Gene: CARS2 (cysteinyl-tRNA synthetase 2, mitochondrial; minus strand). Cytogenetic location: 13q34.
Variant type: single nucleotide variant.
Coding change: c.1012G>A on transcript NM_024537.4 (MANE Select); coding-DNA position 1012, G replaced by A.
Protein change: p.Asp338Asn; replaces aspartic acid 338 with asparagine.
Molecular consequence: missense variant. On other transcripts: non-coding transcript variant (2).
Genome position (GRCh38, 1-based): chr13:110,651,076, C>T on the plus strand (G>A on the coding strand, the complement: CARS2 is on the minus strand). VCF-style: chr13-110651076-C-T. GRCh37 (hg19) VCF-style: chr13-111303423-C-T.
Other names: c.1012G>A (NM_024537.2); c.226G>A, p.Asp76Asn (NM_001352252.2); short protein forms D338N, D76N.
Identifiers: ClinVar variation 1011249 (VCV001011249.8), dbSNP rs577161897, ClinGen allele CA7051979.